The following is an entry in ClinVar:

ClinVar aggregate classification (germline): Uncertain significance. Review status: criteria provided, multiple submitters, no conflicts (2 of 4 stars). 2 submissions from 2 submitters: Uncertain significance (2). Last evaluated 2024-12-02.

Conditions:
Inborn genetic diseases. Identifiers: MedGen C0950123, MeSH D030342.

Allele frequency attached by ClinVar (database versions not stated): TOPMed 0.00001; gnomAD 0.00002; ESP Exome Variant Server 0.00008.
gnomAD v4.1: 70 of 1,613,942 alleles (0.0043%); highest among the groups gnomAD compares: South Asian, 0.018%; no homozygotes.

Submissions (2):

Ambry Genetics
Classification: Uncertain significance for Inborn genetic diseases. Last evaluated: 2024-12-02. Review status: criteria provided, single submitter. Criteria: Ambry Variant Classification Scheme 2023. Collection method: clinical testing. Allele origin: germline.

GeneDx
Classification: Uncertain significance. Last evaluated: 2017-01-25. Review status: criteria provided, single submitter. Criteria: GeneDx Variant Classification (06012015). Collection method: clinical testing. Allele origin: germline. Affected: yes.
Comment: The R294W variant in the ILDR1 gene has not been reported previously as a pathogenic variant, nor as a benign variant, to our knowledge. The R294W variant was not observed with a significant frequency in large population cohorts (Lek et al., 2016; Exome Variant Server). The R294W variant is a non-conservative amino acid substitution, which is likely to impact secondary protein structure as these residues differ in polarity, charge, size and/or other properties. This substitution occurs at a position that is not conserved. In silico analysis predicts this variant is probably damaging to the protein structure/function. A missense variant in a nearby residue (L289W) has been reported in the Human Gene Mutation Database in association with hearing loss (Stenson et al., 2014), supporting the functional importance of this region of the protein. We interpret R294W as a variant of uncertain significance.

NM_001199799.2(ILDR1):c.880C>T (p.Arg294Trp)

Gene: ILDR1 (immunoglobulin like domain containing receptor 1; minus strand). Cytogenetic location: 3q13.33.
Variant type: single nucleotide variant.
Coding change: c.880C>T on transcript NM_001199799.2 (MANE Select); coding-DNA position 880, C replaced by T.
Protein change: p.Arg294Trp; replaces arginine 294 with tryptophan.
Molecular consequence: missense variant.
Genome position (GRCh38, 1-based): chr3:121,993,869, G>A on the plus strand (C>T on the coding strand, the complement: ILDR1 is on the minus strand). VCF-style: chr3-121993869-G-A. GRCh37 (hg19) VCF-style: chr3-121712716-G-A.
Other names: c.613C>T, p.Arg205Trp (NM_001199800.2); c.748C>T, p.Arg250Trp (NM_175924.4); short protein forms R294W, R250W, R205W.
Identifiers: ClinVar variation 392947 (VCV000392947.3), dbSNP rs139164443, ClinGen allele CA2568800.